The following is an entry in ClinVar:

NM_003482.4(KMT2D):c.9836A>G (p.Gln3279Arg)

Gene: KMT2D (lysine methyltransferase 2D; minus strand). Cytogenetic location: 12q13.12.
Variant type: single nucleotide variant.
Coding change: c.9836A>G on transcript NM_003482.4 (MANE Select); coding-DNA position 9836, A replaced by G.
Protein change: p.Gln3279Arg; replaces glutamine 3279 with arginine.
Molecular consequence: missense variant.
Genome position (GRCh38, 1-based): chr12:49,037,520, T>C on the plus strand (A>G on the coding strand, the complement: KMT2D is on the minus strand). VCF-style: chr12-49037520-T-C. GRCh37 (hg19) VCF-style: chr12-49431303-T-C.
Other names: short protein forms Q3279R.
Identifiers: ClinVar variation 4993768 (VCV004993768.1).

ClinVar aggregate classification (germline): Uncertain significance (1 of 4 stars; one submission).

Conditions:
KMT2D-related disorder. Also called: KMT2D-Related Disorders.

Submission:

PreventionGenetics, part of Exact Sciences
Classification: Uncertain significance for KMT2D-related condition. Last evaluated: 2026-03-25. Review status: criteria provided, single submitter. Criteria: ACMG Guidelines, 2015. Collection method: clinical testing. Allele origin: germline.
Comment: The KMT2D c.9836A>G variant is predicted to result in the amino acid substitution p.Gln3279Arg. To our knowledge, this variant has not been reported in the literature or in a large population database (gnomAD), indicating this variant is rare. At this time, the clinical significance of this variant is uncertain due to the absence of conclusive functional and genetic evidence.